The following is an entry in ClinVar:

NM_032444.4(SLX4):c.1441C>T (p.Arg481Ter)

Gene: SLX4 (SLX4 structure-specific endonuclease subunit; minus strand). Cytogenetic location: 16p13.3.
Variant type: single nucleotide variant.
Coding change: c.1441C>T on transcript NM_032444.4 (MANE Select); coding-DNA position 1441, C replaced by T.
Protein change: p.Arg481Ter; replaces arginine 481 with a stop codon.
Molecular consequence: nonsense.
Genome position (GRCh38, 1-based): chr16:3,597,621, G>A on the plus strand (C>T on the coding strand, the complement: SLX4 is on the minus strand). VCF-style: chr16-3597621-G-A. GRCh37 (hg19) VCF-style: chr16-3647622-G-A.
Other names: short protein forms R481*.
Identifiers: ClinVar variation 1698676 (VCV001698676.6), dbSNP rs1265030199, ClinGen allele CA394529062.

ClinVar aggregate classification (germline): Pathogenic/Likely pathogenic. Review status: criteria provided, multiple submitters, no conflicts (2 of 4 stars). 2 submissions from 2 submitters: Pathogenic (1); Likely pathogenic (1). Last evaluated 2024-06-18.

Conditions:
Fanconi anemia (FA). Also called: Fanconi's anemia. Identifiers: Orphanet 84, MedGen C0015625, MeSH D005199, MONDO:0019391.

Allele frequency attached by ClinVar (database versions not stated): gnomAD exomes 0.00001; TOPMed 0.00002.
gnomAD v4.1: 9 of 1,614,084 alleles (0.00056%); highest among the groups gnomAD compares: African/African-American, 0.0013%; no homozygotes.

Submissions (2):

Labcorp Genetics (formerly Invitae), Labcorp
Classification: Pathogenic for Fanconi anemia. Last evaluated: 2024-06-18. Review status: criteria provided, single submitter. Criteria: Invitae Variant Classification Sherloc (09022015). Collection method: clinical testing. Allele origin: germline.
Comment: This sequence change creates a premature translational stop signal (p.Arg481*) in the SLX4 gene. It is expected to result in an absent or disrupted protein product. Loss-of-function variants in SLX4 are known to be pathogenic (PMID: 21240277). This variant is present in population databases (no rsID available, gnomAD 0.003%). This variant has not been reported in the literature in individuals affected with SLX4-related conditions. ClinVar contains an entry for this variant (Variation ID: 1698676). Algorithms developed to predict the effect of sequence changes on RNA splicing suggest that this variant may disrupt the consensus splice site. For these reasons, this variant has been classified as Pathogenic.

Women's Health and Genetics/Laboratory Corporation of America, LabCorp
Classification: Likely pathogenic for Fanconi anemia. Last evaluated: 2022-05-12. Review status: criteria provided, single submitter. Criteria: LabCorp Variant Classification Summary - May 2015. Collection method: clinical testing. Allele origin: germline.
Comment: Variant summary: BTBD12 (SLX4) c.1441C>T (p.Arg481X) results in a premature termination codon, predicted to cause a truncation of the encoded protein or absence of the protein due to nonsense mediated decay, which are commonly known mechanisms for disease. The variant allele was found at a frequency of 1.2e-05 in 251378 control chromosomes (gnomAD). To our knowledge, no occurrence of c.1441C>T in individuals affected with Fanconi Anemia and no experimental evidence demonstrating its impact on protein function have been reported. No clinical diagnostic laboratories have submitted clinical-significance assessments for this variant to ClinVar after 2014. Based on the evidence outlined above, the variant was classified as likely pathogenic.

Literature cited by the submitters: PubMed 21240277 (cited by Labcorp Genetics (formerly Invitae), Labcorp).